The following is an entry in ClinVar:

ClinVar aggregate classification (germline): Uncertain significance (1 of 4 stars; one submission).

Submission:

GeneDx
Classification: Uncertain significance. Last evaluated: 2020-09-29. Review status: criteria provided, single submitter. Criteria: GeneDx Variant Classification Process June 2021. Collection method: clinical testing. Allele origin: germline. Affected: yes.
Comment: Not observed in large population cohorts (Lek et al., 2016); In silico analysis supports that this missense variant has a deleterious effect on protein structure/function; This variant is associated with the following publications: (PMID: 31443933)

NM_001039591.3(USP9X):c.367G>T (p.Gly123Trp)

Gene: USP9X (ubiquitin specific peptidase 9 X-linked; plus strand). Cytogenetic location: Xp11.4.
Variant type: single nucleotide variant.
Coding change: c.367G>T on transcript NM_001039591.3 (MANE Select); coding-DNA position 367, G replaced by T.
Protein change: p.Gly123Trp; replaces glycine 123 with tryptophan.
Molecular consequence: missense variant.
Genome position (GRCh38, 1-based): chrX:41,134,769, G>T. VCF-style: chrX-41134769-G-T. GRCh37 (hg19) VCF-style: chrX-40994022-G-T.
Other names: c.367G>T, p.Gly123Trp (NM_001039590.3); short protein forms G123W.
Identifiers: ClinVar variation 393045 (VCV000393045.4), dbSNP rs1057524756, ClinGen allele CA16608922.